The following is an entry in ClinVar:

ClinVar aggregate classification (germline): Uncertain significance. Review status: criteria provided, multiple submitters, no conflicts (2 of 4 stars). 2 submissions from 2 submitters: Uncertain significance (2). Last evaluated 2023-04-04.

Conditions:
Hereditary cancer-predisposing syndrome. Also called: Neoplastic Syndromes, Hereditary; Hereditary Cancer Syndrome; Tumor predisposition; Hereditary neoplastic syndrome. Identifiers: Orphanet 140162, MedGen C0027672, MeSH D009386, MONDO:0015356.
Familial cancer of breast. Also called: Hereditary breast cancer; BREAST CANCER, FAMILIAL; hereditary breast carcinoma. Identifiers: Orphanet 227535, MedGen C0346153, MONDO:0016419, OMIM 114480. Disease mechanism: loss of function.

Submissions (2):

Labcorp Genetics (formerly Invitae), Labcorp
Classification: Uncertain significance for Familial cancer of breast. Last evaluated: 2023-04-04. Review status: criteria provided, single submitter. Criteria: Invitae Variant Classification Sherloc (09022015). Collection method: clinical testing. Allele origin: germline.
Comment: This sequence change replaces proline, which is neutral and non-polar, with serine, which is neutral and polar, at codon 212 of the PALB2 protein (p.Pro212Ser). This variant is not present in population databases (gnomAD no frequency). This variant has not been reported in the literature in individuals affected with PALB2-related conditions. Algorithms developed to predict the effect of missense changes on protein structure and function output the following: SIFT: "Not Available"; PolyPhen-2: "Benign"; Align-GVGD: "Not Available". The serine amino acid residue is found in multiple mammalian species, which suggests that this missense change does not adversely affect protein function. In summary, the available evidence is currently insufficient to determine the role of this variant in disease. Therefore, it has been classified as a Variant of Uncertain Significance.

Ambry Genetics
Classification: Uncertain significance for Hereditary cancer-predisposing syndrome. Last evaluated: 2022-12-13. Review status: criteria provided, single submitter. Criteria: Ambry Variant Classification Scheme 2023. Collection method: clinical testing. Allele origin: germline.
Comment: The p.P212S variant (also known as c.634C>T), located in coding exon 4 of the PALB2 gene, results from a C to T substitution at nucleotide position 634. The proline at codon 212 is replaced by serine, an amino acid with similar properties. This amino acid position is poorly conserved in available vertebrate species. In addition, this alteration is predicted to be tolerated by in silico analysis. Since supporting evidence is limited at this time, the clinical significance of this alteration remains unclear.

NM_024675.4(PALB2):c.634C>T (p.Pro212Ser)

Gene: PALB2 (partner and localizer of BRCA2; minus strand). Cytogenetic location: 16p12.2.
Variant type: single nucleotide variant.
Coding change: c.634C>T on transcript NM_024675.4 (MANE Select); coding-DNA position 634, C replaced by T.
Protein change: p.Pro212Ser; replaces proline 212 with serine.
Molecular consequence: missense variant. On other transcripts: 5 prime UTR variant (8), intron variant (3).
Genome position (GRCh38, 1-based): chr16:23,635,912, G>A on the plus strand (C>T on the coding strand, the complement: PALB2 is on the minus strand). VCF-style: chr16-23635912-G-A. GRCh37 (hg19) VCF-style: chr16-23647233-G-A.
Other names: c.574C>T, p.Pro192Ser (NM_001407296.1); c.634C>T, p.Pro212Ser (NM_001407297.1, NM_001407298.1, NM_001407299.1 and 3 more transcripts); c.-252C>T (NM_001407304.1, NM_001407305.1, NM_001407306.1 and 5 more transcripts); c.48+5198C>T (NM_001407314.1); c.-105+5198C>T (NM_001407313.1, NM_001407312.1); short protein forms P212S, P192S.
Identifiers: ClinVar variation 2447306 (VCV002447306.5), dbSNP rs1967032913, ClinGen allele CA395136568.